The following is an entry in ClinVar:

NM_001257096.2(PAX1):c.953C>T (p.Pro318Leu)

Gene: PAX1 (paired box 1; plus strand). Cytogenetic location: 20p11.22.
Variant type: single nucleotide variant.
Coding change: c.953C>T on transcript NM_001257096.2 (MANE Select); coding-DNA position 953, C replaced by T.
Protein change: p.Pro318Leu; replaces proline 318 with leucine.
Molecular consequence: missense variant.
Genome position (GRCh38, 1-based): chr20:21,708,594, C>T. VCF-style: chr20-21708594-C-T. GRCh37 (hg19) VCF-style: chr20-21689232-C-T.
Other names: c.953C>T, p.Pro318Leu (NM_006192.5); c.953C>T (NM_006192.3); short protein forms P318L.
Identifiers: ClinVar variation 2183826 (VCV002183826.5), dbSNP rs768246382, ClinGen allele CA9786633.

ClinVar aggregate classification (germline): Uncertain significance. Review status: criteria provided, multiple submitters, no conflicts (2 of 4 stars). 2 submissions from 2 submitters: Uncertain significance (2). Last evaluated 2025-05-06.

Conditions:
Inborn genetic diseases. Identifiers: MedGen C0950123, MeSH D030342.

Allele frequency attached by ClinVar (database versions not stated): ExAC 0.00001; gnomAD exomes 0.00001; TOPMed 0.00001.
gnomAD v4.1: 5 of 1,613,836 alleles (0.00031%); highest among the groups gnomAD compares: Admixed American, 0.0083%; no homozygotes.

Submissions (2):

Ambry Genetics
Classification: Uncertain significance for Inborn genetic diseases. Last evaluated: 2025-05-06. Review status: criteria provided, single submitter. Criteria: Ambry Variant Classification Scheme 2023. Collection method: clinical testing. Allele origin: germline.

Labcorp Genetics (formerly Invitae), Labcorp
Classification: Uncertain significance. Last evaluated: 2022-06-07. Review status: criteria provided, single submitter. Criteria: Invitae Variant Classification Sherloc (09022015). Collection method: clinical testing. Allele origin: germline.
Comment: This sequence change replaces proline, which is neutral and non-polar, with leucine, which is neutral and non-polar, at codon 318 of the PAX1 protein (p.Pro318Leu). This variant is present in population databases (rs768246382, gnomAD 0.006%). This variant has not been reported in the literature in individuals affected with PAX1-related conditions. Algorithms developed to predict the effect of missense changes on protein structure and function (SIFT, PolyPhen-2, Align-GVGD) all suggest that this variant is likely to be tolerated. In summary, the available evidence is currently insufficient to determine the role of this variant in disease. Therefore, it has been classified as a Variant of Uncertain Significance.